The following is an entry in ClinVar:

NM_005276.4(GPD1):c.953+4_953+7del

Gene: GPD1 (glycerol-3-phosphate dehydrogenase 1; plus strand). Cytogenetic location: 12q13.12.
Variant type: Microsatellite.
Coding change: c.953+4_953+7del on transcript NM_005276.4 (MANE Select); bases 4 to 7 of the intron after coding-DNA position 953, 4 bases deleted (AGTA; older notation c.953+4_953+7delAGTA).
Molecular consequence: splice donor variant.
Genome position (GRCh38, 1-based): chr12:50,108,134-50,108,137, AGTA deleted; deleting any 4 consecutive bases within chr12:50,108,129-50,108,137 gives the same sequence; the c. name uses the placement nearest the transcript's 3' end. VCF-style (leftmost placement, unchanged base first): chr12-50108128-CAAGT-C. GRCh37 (hg19) VCF-style: chr12-50501911-CAAGT-C.
Other names: c.884+4_884+7del (NM_001257199.2).
Identifiers: ClinVar variation 4708289 (VCV004708289.1).
Genomic context (GRCh38, chr12:50,108,128, plus strand): 5'-GCAGGGGCCCGAGACAGCCCGGGAGCTATACAGCATCCTCCAGCACAAGGGCCTGGTAGA[CAAGT>C]AAGTATTGGCCACAGCCCCACTGATTAAGGGAGCCACAGCCAGAAGTGCTCGCCCTGTTC-3'

ClinVar aggregate classification (germline): Uncertain significance (1 of 4 stars; one submission).

Submission:

Labcorp Genetics (formerly Invitae), Labcorp
Classification: Uncertain significance. Last evaluated: 2025-10-06. Review status: criteria provided, single submitter. Criteria: Invitae Variant Classification Sherloc (09022015). Collection method: clinical testing. Allele origin: germline.
Comment: This sequence change falls in intron 7 of the GPD1 gene. It does not directly change the encoded amino acid sequence of the GPD1 protein. It affects a nucleotide within the consensus splice site. This variant is present in population databases (rs776991404, gnomAD 0.006%). This variant has not been reported in the literature in individuals affected with GPD1-related conditions. Variants that disrupt the consensus splice site are a relatively common cause of aberrant splicing (PMID: 17576681, 9536098). Algorithms developed to predict the effect of sequence changes on RNA splicing suggest that this variant may disrupt the consensus splice site. In summary, the available evidence is currently insufficient to determine the role of this variant in disease. Therefore, it has been classified as a Variant of Uncertain Significance.

Literature cited by the submitters: PubMed 17576681; PubMed 9536098.